The following is an entry in ClinVar:

ClinVar aggregate classification (germline): Benign. Review status: criteria provided, multiple submitters, no conflicts (2 of 4 stars). 4 submissions from 4 submitters: Benign (4). Last evaluated 2026-01-13.

Conditions:
Metaphyseal anadysplasia 2 (MANDP2). Also called: Metaphyseal anadysplasia 2, autosomal recessive. Identifiers: Orphanet 1040, MedGen C2751322, MONDO:0013113, OMIM 613073.

Allele frequency attached by ClinVar (database versions not stated): gnomAD exomes 0.00438 and 0.00970; ESP Exome Variant Server 0.00702; gnomAD 0.00765 and 0.00921; TOPMed 0.00841; ExAC 0.01096; 1000 Genomes Project 30x 0.02295; 1000 Genomes Project 0.02496.
gnomAD v4.1: 7,832 of 1,613,848 alleles (0.49%); highest among the groups gnomAD compares: South Asian, 5.9%; 259 homozygotes.

Submissions (6):

Labcorp Genetics (formerly Invitae), Labcorp
Classification: Benign. Last evaluated: 2026-01-13. Review status: criteria provided, single submitter. Criteria: Invitae Variant Classification Sherloc (09022015). Collection method: clinical testing. Allele origin: germline.

GeneDx
Classification: Benign. Last evaluated: 2020-07-25. Review status: criteria provided, single submitter. Criteria: GeneDx Variant Classification Process June 2021. Collection method: clinical testing. Allele origin: germline. Affected: yes.

Illumina Laboratory Services, Illumina
Classification: Benign for Metaphyseal anadysplasia 2. Last evaluated: 2018-01-13. Review status: criteria provided, single submitter. Criteria: ICSL Variant Classification Criteria 13 December 2019. Collection method: clinical testing. Allele origin: germline.
Comment: This variant was observed in the ICSL laboratory as part of a predisposition screen in an ostensibly healthy population. It had not been previously curated by ICSL or reported in the Human Gene Mutation Database (HGMD: prior to June 1st, 2018), and was therefore a candidate for classification through an automated scoring system. Utilizing variant allele frequency, disease prevalence and penetrance estimates, and inheritance mode, an automated score was calculated to assess if this variant is too frequent to cause the disease. Based on the score and internal cut-off values, a variant classified as benign is not then subjected to further curation. The score for this variant resulted in a classification of benign for this disease.

Breakthrough Genomics
Classification: Benign. Review status: criteria provided, single submitter. Criteria: ACMG Guidelines, 2015. Collection method: not provided. Allele origin: germline. Inheritance: Autosomal recessive inheritance. Affected: yes.

Dr. Peter K. Rogan Lab, Western University
No classification provided (evidence only). Condition: Cervical cancer. Review status: no classification provided. Collection method: in vitro. Allele origin: not applicable. Functional consequence: retained intron. Not counted in ClinVar's aggregate classification.

Dr. Peter K. Rogan Lab, Western University
No classification provided (evidence only). Condition: Cervical cancer. Review status: no classification provided. Collection method: in vitro. Allele origin: not applicable. Functional consequence: retained intron. Not counted in ClinVar's aggregate classification.

NM_004994.3(MMP9):c.1331-11T>A

Gene: MMP9 (matrix metallopeptidase 9; plus strand). Cytogenetic location: 20q13.12.
Variant type: single nucleotide variant.
Coding change: c.1331-11T>A on transcript NM_004994.3 (MANE Select); 11 bases into the intron before coding-DNA position 1331, T replaced by A.
Molecular consequence: intron variant.
Genome position (GRCh38, 1-based): chr20:46,013,244, T>A. VCF-style: chr20-46013244-T-A. GRCh37 (hg19) VCF-style: chr20-44641883-T-A.
Identifiers: ClinVar variation 338556 (VCV000338556.18), dbSNP rs3918257, ClinGen allele CA9886715.
Genomic context (GRCh38, chr20:46,013,244, plus strand): 5'-GGGGAGCAGATGTTCTAGGGGTACAGAGGTATGCAGGAATAGGAAGAGTCTCACCCCGTG[T>A]CTCTTTTTAGGTCCTCGCCCTGAACCTGAGCCACGGCCTCCAACCACCACCACACCGCAG-3'